The following is an entry in ClinVar:

ClinVar aggregate classification (germline): Uncertain significance. Review status: criteria provided, multiple submitters, no conflicts (2 of 4 stars). 6 submissions from 5 submitters: Uncertain significance (6). Last evaluated 2025-08-29.

Conditions:
SEMA4A-related disorder. Also called: SEMA4A-related condition.
Retinitis pigmentosa 35 (RP35). Identifiers: Orphanet 791, MedGen C1853214, MONDO:0012463, OMIM 610282.
Cone-rod dystrophy 10 (CORD10). Identifiers: Orphanet 1872, MedGen C1846529, MONDO:0012464, OMIM 610283.

Allele frequency attached by ClinVar (database versions not stated): gnomAD 0.00004 and 0.00005; TOPMed 0.00004; ExAC 0.00006; 1000 Genomes Project 30x 0.00016; 1000 Genomes Project 0.00020.
gnomAD v4.1: 118 of 1,613,144 alleles (0.0073%); highest among the groups gnomAD compares: Non-Finnish European, 0.0093%; no homozygotes.

Submissions (6):

Ambry Genetics
Classification: Uncertain significance. Last evaluated: 2025-08-29. Review status: criteria provided, single submitter. Criteria: Ambry Variant Classification Scheme 2023. Collection method: clinical testing. Allele origin: germline.

PreventionGenetics, part of Exact Sciences
Classification: Uncertain significance for SEMA4A-related condition. Last evaluated: 2025-08-17. Review status: criteria provided, single submitter. Criteria: ACMG Guidelines, 2015. Collection method: clinical testing. Allele origin: germline.
Comment: The SEMA4A c.473A>G variant is predicted to result in the amino acid substitution p.Asp158Gly. To our knowledge, this variant has not been reported in the literature. This variant is reported in 0.012% of alleles in individuals of European (Finnish) descent in gnomAD. At this time, the clinical significance of this variant is uncertain due to the absence of conclusive functional and genetic evidence.

Labcorp Genetics (formerly Invitae), Labcorp
Classification: Uncertain significance. Last evaluated: 2024-12-03. Review status: criteria provided, single submitter. Criteria: Invitae Variant Classification Sherloc (09022015). Collection method: clinical testing. Allele origin: germline.
Comment: This sequence change replaces aspartic acid, which is acidic and polar, with glycine, which is neutral and non-polar, at codon 158 of the SEMA4A protein (p.Asp158Gly). This variant is present in population databases (rs200090107, gnomAD 0.01%). This variant has not been reported in the literature in individuals affected with SEMA4A-related conditions. ClinVar contains an entry for this variant (Variation ID: 1022883). Invitae Evidence Modeling of protein sequence and biophysical properties (such as structural, functional, and spatial information, amino acid conservation, physicochemical variation, residue mobility, and thermodynamic stability) indicates that this missense variant is not expected to disrupt SEMA4A protein function with a negative predictive value of 80%. In summary, the available evidence is currently insufficient to determine the role of this variant in disease. Therefore, it has been classified as a Variant of Uncertain Significance.

Genome-Nilou Lab
Classification: Uncertain significance for Cone-rod dystrophy 10. Last evaluated: 2023-04-11. Review status: criteria provided, single submitter. Criteria: ACMG Guidelines, 2015. Collection method: clinical testing. Allele origin: germline. Affected: no.

Genome-Nilou Lab
Classification: Uncertain significance for Retinitis pigmentosa 35. Last evaluated: 2023-04-11. Review status: criteria provided, single submitter. Criteria: ACMG Guidelines, 2015. Collection method: clinical testing. Allele origin: germline. Affected: no.

Blueprint Genetics
Classification: Uncertain significance. Last evaluated: 2022-05-04. Review status: criteria provided, single submitter. Criteria: ACMG Guidelines, 2015. Collection method: clinical testing. Allele origin: germline.

NM_022367.4(SEMA4A):c.473A>G (p.Asp158Gly)

Gene: SEMA4A (semaphorin 4A; plus strand). Cytogenetic location: 1q22.
Variant type: single nucleotide variant.
Coding change: c.473A>G on transcript NM_022367.4 (MANE Select); coding-DNA position 473, A replaced by G.
Protein change: p.Asp158Gly; replaces aspartic acid 158 with glycine.
Molecular consequence: missense variant. On other transcripts: 5 prime UTR variant (2).
Genome position (GRCh38, 1-based): chr1:156,158,729, A>G. VCF-style: chr1-156158729-A-G. GRCh37 (hg19) VCF-style: chr1-156128520-A-G.
Other names: c.473A>G (NM_022367.3); c.473A>G, p.Asp158Gly (NM_001193300.2, NM_001193301.2, NM_001370567.1); c.77A>G, p.Asp26Gly (NM_001193302.2); c.176A>G, p.Asp59Gly (NM_001370568.1); c.-35A>G (NM_001370569.1, NM_001370571.1); short protein forms D158G, D26G, D59G.
Identifiers: ClinVar variation 1022883 (VCV001022883.14), dbSNP rs200090107, ClinGen allele CA1155053.